The following is an entry in ClinVar:

ClinVar aggregate classification (germline): Uncertain significance. Review status: criteria provided, multiple submitters, no conflicts (2 of 4 stars). 2 submissions from 2 submitters: Uncertain significance (2). Last evaluated 2024-09-19.

Conditions:
Malignant hyperthermia, susceptibility to, 5 (MHS5). Also called: CACNA1S-Related Malignant Hyperthermia Susceptibility. Identifiers: Orphanet 423, MedGen C1866077, MONDO:0011163, OMIM 601887.

gnomAD v4.1: 1 of 1,614,176 alleles (0.000062%); highest among the groups gnomAD compares: Non-Finnish European, 0.000085%; no homozygotes.

Submissions (2):

Blueprint Genetics
Classification: Uncertain significance. Last evaluated: 2024-09-19. Review status: criteria provided, single submitter. Criteria: ACMG Guidelines, 2015. Collection method: clinical testing. Allele origin: germline.

All of Us Research Program, National Institutes of Health
Classification: Uncertain significance for Malignant hyperthermia, susceptibility to, 5. Last evaluated: 2023-05-31. Review status: criteria provided, single submitter. Criteria: ACMG Guidelines, 2015. Collection method: clinical testing. Allele origin: germline. Inheritance: Autosomal dominant inheritance. Observed: 1 variant allele, 1 heterozygote.
Comment: This study involves interpretation of variants in research participants for the purpose of population health screening. Participant phenotype was not available at the time of variant classification. Additional details can be found in publication PMID: 35346344, PMCID: PMC8962531

NM_000069.3(CACNA1S):c.1256G>T (p.Arg419Leu)

Gene: CACNA1S (calcium voltage-gated channel subunit alpha1 S; minus strand). Cytogenetic location: 1q32.1.
Variant type: single nucleotide variant.
Coding change: c.1256G>T on transcript NM_000069.3 (MANE Select); coding-DNA position 1256, G replaced by T.
Protein change: p.Arg419Leu; replaces arginine 419 with leucine.
Molecular consequence: missense variant.
Genome position (GRCh38, 1-based): chr1:201,083,299, C>A on the plus strand (G>T on the coding strand, the complement: CACNA1S is on the minus strand). VCF-style: chr1-201083299-C-A. GRCh37 (hg19) VCF-style: chr1-201052427-C-A.
Other names: short protein forms R419L.
Identifiers: ClinVar variation 3071443 (VCV003071443.2), dbSNP rs370861322, ClinGen allele CA344126123.